The following is an entry in ClinVar:

NM_000138.5(FBN1):c.4351T>C (p.Ser1451Pro)

Gene: FBN1 (fibrillin 1; minus strand). Cytogenetic location: 15q21.1.
Variant type: single nucleotide variant.
Coding change: c.4351T>C on transcript NM_000138.5 (MANE Select); coding-DNA position 4351, T replaced by C.
Protein change: p.Ser1451Pro; replaces serine 1451 with proline.
Molecular consequence: missense variant.
Genome position (GRCh38, 1-based): chr15:48,470,742, A>G on the plus strand (T>C on the coding strand, the complement: FBN1 is on the minus strand). VCF-style: chr15-48470742-A-G. GRCh37 (hg19) VCF-style: chr15-48762939-A-G.
Other names: c.4351T>C, p.Ser1451Pro (NM_001406716.1); short protein forms S1451P.
Identifiers: ClinVar variation 3754072 (VCV003754072.2).
Genomic context (GRCh38, chr15:48,470,742, plus strand): 5'-CACAGCGGAACAGGCCAGGGAGGTTGTGGCAAGTTCCAAAGACACAGATGTTCGGAAGGG[A>G]GCACTCATCAATATCTTGGGGGGAGGGAGAAAAAAGCAAAAAACTTAACTTATATTTTTC-3'
Protein context (NP_000129.3, residues 1441-1461): GKACEDIDEC[Ser1451Pro]LPNICVFGTC

ClinVar aggregate classification (germline): Uncertain significance (1 of 4 stars; one submission).

Conditions:
Marfan syndrome (MFS). Also called: MARFAN SYNDROME, TYPE I; Marfan syndrome type 1; Marfan's syndrome; Marfan syndrome, classic; FBN1-Related Marfan Syndrome. Identifiers: Orphanet 284963, Orphanet 558, MedGen C0024796, MONDO:0007947, OMIM 154700.
Familial thoracic aortic aneurysm and aortic dissection (TAAD). Also called: Thoracic aortic aneurysms and dissections. Identifiers: Orphanet 91387, MedGen C4707243, MONDO:0019625.

Submission:

Labcorp Genetics (formerly Invitae), Labcorp
Classification: Uncertain significance for Marfan syndrome; Familial thoracic aortic aneurysm and aortic dissection. Last evaluated: 2024-12-10. Review status: criteria provided, single submitter. Criteria: Invitae Variant Classification Sherloc (09022015). Collection method: clinical testing. Allele origin: germline.
Comment: This sequence change replaces serine, which is neutral and polar, with proline, which is neutral and non-polar, at codon 1451 of the FBN1 protein (p.Ser1451Pro). This variant is not present in population databases (gnomAD no frequency). This variant has not been reported in the literature in individuals affected with FBN1-related conditions. Invitae Evidence Modeling of protein sequence and biophysical properties (such as structural, functional, and spatial information, amino acid conservation, physicochemical variation, residue mobility, and thermodynamic stability) has been performed for this missense variant. However, the output from this modeling did not meet the statistical confidence thresholds required to predict the impact of this variant on FBN1 protein function. In summary, the available evidence is currently insufficient to determine the role of this variant in disease. Therefore, it has been classified as a Variant of Uncertain Significance.